The following is an entry in ClinVar:

NM_024996.7(GFM1):c.910A>G (p.Lys304Glu)

Gene: GFM1 (G elongation factor mitochondrial 1; plus strand). Cytogenetic location: 3q25.32.
Variant type: single nucleotide variant.
Coding change: c.910A>G on transcript NM_024996.7 (MANE Select); coding-DNA position 910, A replaced by G.
Protein change: p.Lys304Glu; replaces lysine 304 with glutamic acid.
Molecular consequence: missense variant. On other transcripts: non-coding transcript variant (4).
Genome position (GRCh38, 1-based): chr3:158,653,379, A>G. VCF-style: chr3-158653379-A-G. GRCh37 (hg19) VCF-style: chr3-158371168-A-G.
Other names: c.910A>G (NM_024996.5); c.967A>G, p.Lys323Glu (NM_001308164.2, NM_001374355.1); c.910A>G, p.Lys304Glu (NM_001308166.2); c.793A>G, p.Lys265Glu (NM_001374356.1); c.685A>G, p.Lys229Glu (NM_001374357.1); c.451A>G, p.Lys151Glu (NM_001374358.1); c.343A>G, p.Lys115Glu (NM_001374359.1, NM_001374360.1); c.226A>G, p.Lys76Glu (NM_001374361.1); short protein forms K323E, K151E, K265E, K76E, K115E, K229E, K304E.
Identifiers: ClinVar variation 1348151 (VCV001348151.10), dbSNP rs760266828, ClinGen allele CA86500938.
Genomic context (GRCh38, chr3:158,653,379, plus strand): 5'-CGAAGAGCTACTCTGAAAAGATCATTTACTCCTGTATTTTTGGGAAGCGCCTTGAAGAAC[A>G]AAGGAGTTCAGCCTCTTTTAGATGCTGTTTTAGAATACCTCCCAAATCCATCTGAAGTCC-3'
Protein context (NP_079272.4, residues 294-314): PVFLGSALKN[Lys304Glu]GVQPLLDAVL

ClinVar aggregate classification (germline): Likely pathogenic. Review status: criteria provided, multiple submitters, no conflicts (2 of 4 stars). 3 submissions from 3 submitters: Likely pathogenic (3). Last evaluated 2025-07-25.

Conditions:
Hepatoencephalopathy due to combined oxidative phosphorylation defect type 1. Also called: HEPATOENCEPHALOPATHY, EARLY FATAL PROGRESSIVE. Identifiers: Orphanet 137681, MedGen C1836797, MONDO:0012191, OMIM 609060.

Allele frequency attached by ClinVar (database versions not stated): gnomAD exomes below 0.00001 and 0.00002; gnomAD 0.00001; TOPMed 0.00001.
gnomAD v4.1: 31 of 1,613,194 alleles (0.0019%); highest among the groups gnomAD compares: Non-Finnish European, 0.0025%; no homozygotes.

Submissions (3):

Natera, Inc.
Classification: Likely pathogenic for Combined oxidative phosphorylation deficiency 1. Last evaluated: 2025-07-25. Review status: criteria provided, single submitter. Criteria: Natera Variant Classification Schema (03/2026). Collection method: clinical testing. Allele origin: germline.
Comment: The c.910A>G variant in GFM1 is a missense variant predicted to cause substitution of lysine to glutamic acid at amino acid 304. This variant is rare in the general population with a frequency below the threshold expected for the associated phenotype(s). This variant has been observed in one or more individuals affected with the associated recessive disease, as either homozygous or compound heterozygous with a second variant (PMID: 22277967, 35703069). Computational prediction algorithms indicate this variant is likely to affect gene or protein function. Given the available evidence, this variant is classified as Likely Pathogenic.

Fulgent Genetics
Classification: Likely pathogenic for Hepatoencephalopathy due to combined oxidative phosphorylation defect type 1. Last evaluated: 2024-01-22. Review status: criteria provided, single submitter. Criteria: ACMG Guidelines, 2015. Collection method: clinical testing. Allele origin: germline.

Labcorp Genetics (formerly Invitae), Labcorp
Classification: Likely pathogenic. Last evaluated: 2022-09-26. Review status: criteria provided, single submitter. Criteria: Invitae Variant Classification Sherloc (09022015). Collection method: clinical testing. Allele origin: germline.
Comment: This variant is present in population databases (rs760266828, gnomAD 0.0009%). In summary, the currently available evidence indicates that the variant is pathogenic, but additional data are needed to prove that conclusively. Therefore, this variant has been classified as Likely Pathogenic. Advanced modeling of protein sequence and biophysical properties (such as structural, functional, and spatial information, amino acid conservation, physicochemical variation, residue mobility, and thermodynamic stability) has been performed at Invitae for this missense variant, however the output from this modeling did not meet the statistical confidence thresholds required to predict the impact of this variant on GFM1 protein function. ClinVar contains an entry for this variant (Variation ID: 1348151). This missense change has been observed in individual(s) with combined oxidative phosphorylation deficiency (PMID: 22277967). In at least one individual the data is consistent with being in trans (on the opposite chromosome) from a pathogenic variant. This sequence change replaces lysine, which is basic and polar, with glutamic acid, which is acidic and polar, at codon 304 of the GFM1 protein (p.Lys304Glu).

Literature cited by the submitters: PubMed 22277967 (cited by Natera, Inc. and Labcorp Genetics (formerly Invitae), Labcorp); PubMed 35703069 (cited by Natera, Inc.).